The following is an entry in ClinVar:

NM_012330.4(KAT6B):c.4495G>A (p.Val1499Ile)

Gene: KAT6B (lysine acetyltransferase 6B; plus strand). Cytogenetic location: 10q22.2.
Variant type: single nucleotide variant.
Coding change: c.4495G>A on transcript NM_012330.4 (MANE Select); coding-DNA position 4495, G replaced by A.
Protein change: p.Val1499Ile; replaces valine 1499 with isoleucine.
Molecular consequence: missense variant.
Genome position (GRCh38, 1-based): chr10:75,029,319, G>A. VCF-style: chr10-75029319-G-A. GRCh37 (hg19) VCF-style: chr10-76789077-G-A.
Other names: c.3946G>A, p.Val1316Ile (NM_001256468.2, NM_001370138.1); c.3619G>A, p.Val1207Ile (NM_001256469.2, NM_001370139.1, NM_001370140.1 and 2 more transcripts); c.3457G>A, p.Val1153Ile (NM_001370132.1); c.2806G>A, p.Val936Ile (NM_001370133.1); c.2410G>A, p.Val804Ile (NM_001370134.1); c.2152G>A, p.Val718Ile (NM_001370135.1); c.4495G>A, p.Val1499Ile (NM_001370136.1, NM_001370137.1); c.3430G>A, p.Val1144Ile (NM_001370143.1, NM_001370144.1); short protein forms V1499I, V1144I, V1153I, V1207I, V1316I, V804I, V936I, V718I.
Identifiers: ClinVar variation 260246 (VCV000260246.62), dbSNP rs3740321, ClinGen allele CA5565041.
Genomic context (GRCh38, chr10:75,029,319, plus strand): 5'-GTCGACCTGACAGCTTCTTGTAACAGTGAGCCCAAGGAGCTTGCTGGGGACCCTGAAGCT[G>A]TACCCGAATCTGACGAGGAGCCACCCCCAGGAGAACAGGCACAGAAGCAGGACCAAAAGA-3'
Protein context (NP_036462.2, residues 1489-1509): PKELAGDPEA[Val1499Ile]PESDEEPPPG

ClinVar aggregate classification (germline): Benign/Likely benign. Review status: criteria provided, multiple submitters, no conflicts (2 of 4 stars). 8 submissions from 8 submitters: Benign (5); Likely benign (1). 2 of the submissions do not count toward it. Last evaluated 2026-02-03.

Conditions:
Genitopatellar syndrome (GTPTS). Also called: Genitopatellar syndrome (GPS); ABSENT PATELLAE, SCROTAL HYPOPLASIA, RENAL ANOMALIES, FACIAL DYSMORPHISM, AND MENTAL RETARDATION. Identifiers: Orphanet 85201, MedGen C1853566, MONDO:0011640, OMIM 606170.

Allele frequency attached by ClinVar (database versions not stated): gnomAD exomes 0.01595 and 0.03487; ESP Exome Variant Server 0.02460; gnomAD 0.03151 and 0.03254; ExAC 0.03270; TOPMed 0.03659; 1000 Genomes Project 30x 0.05981; 1000 Genomes Project 0.06130.
gnomAD v4.1: 28,692 of 1,614,038 alleles (1.8%); highest among the groups gnomAD compares: East Asian, 7%; 685 homozygotes.

Submissions (8):

Labcorp Genetics (formerly Invitae), Labcorp
Classification: Benign for Genitopatellar syndrome. Last evaluated: 2026-02-03. Review status: criteria provided, single submitter. Criteria: Invitae Variant Classification Sherloc (09022015). Collection method: clinical testing. Allele origin: germline.

Blueprint Genetics
Classification: Likely benign. Last evaluated: 2024-11-27. Review status: criteria provided, single submitter. Criteria: ACMG Guidelines, 2015. Collection method: clinical testing. Allele origin: germline.

ARUP Laboratories, Molecular Genetics and Genomics, ARUP Laboratories
Classification: Benign. Last evaluated: 2023-11-11. Review status: criteria provided, single submitter. Criteria: ARUP Molecular Germline Variant Investigation Process 2024. Collection method: clinical testing. Allele origin: germline.

GeneDx
Classification: Benign. Last evaluated: 2016-10-05. Review status: criteria provided, single submitter. Criteria: GeneDx Variant Classification (06012015). Collection method: clinical testing. Allele origin: germline. Affected: yes.
Comment: This variant is considered likely benign or benign based on one or more of the following criteria: it is a conservative change, it occurs at a poorly conserved position in the protein, it is predicted to be benign by multiple in silico algorithms, and/or has population frequency not consistent with disease.

Breakthrough Genomics
Classification: Benign. Review status: criteria provided, single submitter. Criteria: ACMG Guidelines, 2015. Collection method: not provided. Allele origin: germline. Inheritance: Autosomal dominant inheritance. Affected: yes.

PreventionGenetics, part of Exact Sciences
Classification: Benign. Review status: criteria provided, single submitter. Criteria: ACMG Guidelines, 2015. Collection method: clinical testing. Allele origin: germline.

Joint Genome Diagnostic Labs from Nijmegen and Maastricht, Radboudumc and MUMC+
Classification: Benign. Review status: no assertion criteria provided. Collection method: clinical testing. Allele origin: germline. Affected: yes. Study: VKGL Data-share Consensus. Not counted in ClinVar's aggregate classification.

Laboratory of Diagnostic Genome Analysis, Leiden University Medical Center (LUMC)
Classification: Likely benign. Review status: no assertion criteria provided. Collection method: clinical testing. Allele origin: germline. Affected: yes. Study: VKGL Data-share Consensus. Not counted in ClinVar's aggregate classification.